The following is an entry in ClinVar:

NM_000213.5(ITGB4):c.1135C>T (p.Arg379Ter)

Gene: ITGB4 (integrin subunit beta 4; plus strand). Cytogenetic location: 17q25.1.
Variant type: single nucleotide variant.
Coding change: c.1135C>T on transcript NM_000213.5 (MANE Select); coding-DNA position 1135, C replaced by T.
Protein change: p.Arg379Ter; replaces arginine 379 with a stop codon.
Molecular consequence: nonsense.
Genome position (GRCh38, 1-based): chr17:75,731,288, C>T. VCF-style: chr17-75731288-C-T. GRCh37 (hg19) VCF-style: chr17-73727369-C-T.
Other names: c.1135C>T, p.Arg379Ter (NM_001005619.2, NM_001005731.3, NM_001321123.2); short protein forms R379*.
Identifiers: ClinVar variation 1180851 (VCV001180851.16), dbSNP rs777045339, ClinGen allele CA8768886.

ClinVar aggregate classification (germline): Pathogenic/Likely pathogenic. Review status: criteria provided, multiple submitters, no conflicts (2 of 4 stars). 3 submissions from 3 submitters: Pathogenic (1); Likely pathogenic (2). Last evaluated 2024-10-01.

Conditions:
Abnormality of the skin. Identifiers: MedGen C5848159, HP:0000951.
Junctional epidermolysis bullosa with pyloric atresia. Also called: EPIDERMOLYSIS BULLOSA, JUNCTIONAL 5B, WITH PYLORIC ATRESIA; Junctional Epidermolysis Bullosa- Pyloric Atresia Syndrome; ITGB4-Related Epidermolysis Bullosa with Pyloric Atresia; APLASIA CUTIS CONGENITA WITH GASTROINTESTINAL ATRESIA; CARMI SYNDROME; EB-PA-ACC. Identifiers: Orphanet 79403, MedGen C5676875, MONDO:0009183, OMIM 226730.
Epidermolysis bullosa, junctional 5A, intermediate. Also called: EPIDERMOLYSIS BULLOSA, JUNCTIONAL 5A, GENERALIZED INTERMEDIATE; EPIDERMOLYSIS BULLOSA, JUNCTIONAL 5A, NON-HERLITZ TYPE. Identifiers: MedGen C5676956, MONDO:0030768, OMIM 619816.

Allele frequency attached by ClinVar (database versions not stated): gnomAD exomes below 0.00001; ExAC 0.00001.
gnomAD v4.1: 4 of 1,613,538 alleles (0.00025%); highest among the groups gnomAD compares: South Asian, 0.0011%; no homozygotes.

Submissions (3):

CeGaT Center for Human Genetics Tuebingen
Classification: Pathogenic. Last evaluated: 2024-10-01. Review status: criteria provided, single submitter. Criteria: CeGaT Center For Human Genetics Tuebingen Variant Classification Criteria Version 2. Collection method: clinical testing. Allele origin: germline. Affected: yes. Observed: 1 variant allele.
Comment: ITGB4: PVS1, PM2, PM3:Supporting

Fulgent Genetics
Classification: Likely pathogenic for Junctional epidermolysis bullosa with pyloric atresia; Epidermolysis bullosa, junctional 5A, intermediate. Last evaluated: 2024-04-04. Review status: criteria provided, single submitter. Criteria: ACMG Guidelines, 2015. Collection method: clinical testing. Allele origin: germline.

Kariminejad - Najmabadi Pathology & Genetics Center
Classification: Likely pathogenic for Abnormality of the skin. Last evaluated: 2021-07-10. Review status: criteria provided, single submitter. Criteria: ACMG Guidelines, 2015. Collection method: clinical testing. Allele origin: germline.